The following is an entry in ClinVar:

NM_001793.6(CDH3):c.547-3C>T

Gene: CDH3 (cadherin 3; plus strand). Cytogenetic location: 16q22.1.
Variant type: single nucleotide variant.
Coding change: c.547-3C>T on transcript NM_001793.6 (MANE Select); 3 bases into the intron before coding-DNA position 547, C replaced by T.
Molecular consequence: intron variant.
Genome position (GRCh38, 1-based): chr16:68,678,759, C>T. VCF-style: chr16-68678759-C-T. GRCh37 (hg19) VCF-style: chr16-68712662-C-T.
Other names: c.382-3C>T (NM_001317196.2); c.547-3C>T (NM_001317195.3).
Identifiers: ClinVar variation 967787 (VCV000967787.7), dbSNP rs112542580, ClinGen allele CA623568803.

ClinVar aggregate classification (germline): Uncertain significance (1 of 4 stars; one submission).

Allele frequency attached by ClinVar (database versions not stated): gnomAD 0.00001; TOPMed 0.00001; gnomAD exomes 0.00002.
gnomAD v4.1: 25 of 1,614,066 alleles (0.0015%); highest among the groups gnomAD compares: Non-Finnish European, 0.0021%; no homozygotes.

Submission:

Labcorp Genetics (formerly Invitae), Labcorp
Classification: Uncertain significance. Last evaluated: 2021-08-23. Review status: criteria provided, single submitter. Criteria: Invitae Variant Classification Sherloc (09022015). Collection method: clinical testing. Allele origin: germline.
Comment: This sequence change falls in intron 5 of the CDH3 gene. It does not directly change the encoded amino acid sequence of the CDH3 protein, but it affects a nucleotide within the consensus splice site of the intron. This variant is not present in population databases (ExAC no frequency). This variant has not been reported in the literature in individuals with CDH3-related conditions. Nucleotide substitutions within the consensus splice site are a relatively common cause of aberrant splicing (PMID: 17576681, 9536098). Algorithms developed to predict the effect of sequence changes on RNA splicing suggest that this variant may disrupt the consensus splice site, but this prediction has not been confirmed by published transcriptional studies. In summary, the available evidence is currently insufficient to determine the role of this variant in disease. Therefore, it has been classified as a Variant of Uncertain Significance.

Literature cited by the submitters: PubMed 17576681; PubMed 9536098.